The following is an entry in ClinVar:

ClinVar aggregate classification (germline): Uncertain significance. Review status: criteria provided, multiple submitters, no conflicts (2 of 4 stars). 2 submissions from 2 submitters: Uncertain significance (2). Last evaluated 2026-03-15.

Conditions:
Inborn genetic diseases. Identifiers: MedGen C0950123, MeSH D030342.

gnomAD v4.1: 8 of 1,614,192 alleles (0.0005%); highest among the groups gnomAD compares: Middle Eastern, 0.099%; no homozygotes.

Submissions (2):

Ambry Genetics
Classification: Uncertain significance for Inborn genetic diseases. Last evaluated: 2026-03-15. Review status: criteria provided, single submitter. Criteria: Ambry Variant Classification Scheme 2023. Collection method: clinical testing. Allele origin: germline.
Comment: The p.K252E variant (also known as c.754A>G), located in coding exon 3 of the MBD4 gene, results from an A to G substitution at nucleotide position 754. The lysine at codon 252 is replaced by glutamic acid, an amino acid with similar properties. This amino acid position is conserved. In addition, the in silico prediction for this alteration is inconclusive. Based on the available evidence, the clinical significance of this variant remains unclear.

Labcorp Genetics (formerly Invitae), Labcorp
Classification: Uncertain significance. Last evaluated: 2026-01-17. Review status: criteria provided, single submitter. Criteria: Invitae Variant Classification Sherloc (09022015). Collection method: clinical testing. Allele origin: germline.
Comment: This sequence change replaces lysine, which is basic and polar, with glutamic acid, which is acidic and polar, at codon 252 of the MBD4 protein (p.Lys252Glu). This variant is not present in population databases (gnomAD no frequency). This variant has not been reported in the literature in individuals affected with MBD4-related conditions. An algorithm developed to predict the effect of missense changes on protein structure and function outputs the following: PolyPhen-2: "Possibly Damaging". The glutamic acid amino acid residue is found in multiple mammalian species, which suggests that this missense change does not adversely affect protein function. In summary, the available evidence is currently insufficient to determine the role of this variant in disease. Therefore, it has been classified as a Variant of Uncertain Significance.

NM_001276270.2(MBD4):c.754A>G (p.Lys252Glu)

Gene: MBD4 (methyl-CpG binding domain 4, DNA glycosylase; minus strand). Cytogenetic location: 3q21.3.
Variant type: single nucleotide variant.
Coding change: c.754A>G on transcript NM_001276270.2 (MANE Select); coding-DNA position 754, A replaced by G.
Protein change: p.Lys252Glu; replaces lysine 252 with glutamic acid.
Molecular consequence: missense variant. On other transcripts: intron variant (1).
Genome position (GRCh38, 1-based): chr3:129,436,890, T>C on the plus strand (A>G on the coding strand, the complement: MBD4 is on the minus strand). VCF-style: chr3-129436890-T-C. GRCh37 (hg19) VCF-style: chr3-129155733-T-C.
Other names: c.754A>G, p.Lys252Glu (NM_001276271.2, NM_001276272.2, NM_003925.3); c.247+918A>G (NM_001276273.2); short protein forms K252E.
Identifiers: ClinVar variation 4751165 (VCV004751165.2).
Genomic context (GRCh38, chr3:129,436,890, plus strand): 5'-CTGCTTTATTACACACAGATTCTCTTTTGCTATCACTTTGAACAAAACCTGAACAGCTCT[T>C]CCTACATCCTTTTTTAGTTTTCTTAATTGGGATTCCTTTCAAAATAGTCACCTTTCCTTT-3'
Protein context (NP_001263199.1, residues 242-262): PIKKTKKGCR[Lys252Glu]SCSGFVQSDS